The following is an entry in ClinVar:

NM_001165963.4(SCN1A):c.2371C>T (p.Pro791Ser)

Gene: SCN1A (sodium voltage-gated channel alpha subunit 1; minus strand). Cytogenetic location: 2q24.3.
Variant type: single nucleotide variant.
Coding change: c.2371C>T on transcript NM_001165963.4 (MANE Select); coding-DNA position 2371, C replaced by T.
Protein change: p.Pro791Ser; replaces proline 791 with serine.
Molecular consequence: missense variant. On other transcripts: non-coding transcript variant (1), 5 prime UTR variant (1).
Genome position (GRCh38, 1-based): chr2:166,041,275, G>A on the plus strand (C>T on the coding strand, the complement: SCN1A is on the minus strand). VCF-style: chr2-166041275-G-A. GRCh37 (hg19) VCF-style: chr2-166897785-G-A.
Other names: c.2287C>T, p.Pro763Ser (NM_001165964.3, NM_001353957.2, NM_001353958.2); c.2371C>T, p.Pro791Ser (NM_001202435.3, NM_001353948.2); c.2338C>T, p.Pro780Ser (NM_001353949.2, NM_001353950.2, NM_001353951.2 and 2 more transcripts); c.2335C>T, p.Pro779Ser (NM_001353954.2, NM_001353955.2); c.2284C>T, p.Pro762Ser (NM_001353960.2); c.-88C>T (NM_001353961.2); short protein forms P779S, P791S, P762S, P763S, P780S.
Identifiers: ClinVar variation 3634048 (VCV003634048.2).

ClinVar aggregate classification (germline): Uncertain significance (1 of 4 stars; one submission).

Conditions:
Early-infantile DEE. Also called: Early infantile epileptic encephalopathy; Ohtahara syndrome; Early infantile epileptic encephalopathy with suppression bursts. Identifiers: Orphanet 1934, MedGen C0393706, MONDO:0800491.

Submission:

Labcorp Genetics (formerly Invitae), Labcorp
Classification: Uncertain significance for Early-infantile DEE. Last evaluated: 2024-11-06. Review status: criteria provided, single submitter. Criteria: Invitae Variant Classification Sherloc (09022015). Collection method: clinical testing. Allele origin: germline.
Comment: This sequence change replaces proline, which is neutral and non-polar, with serine, which is neutral and polar, at codon 791 of the SCN1A protein (p.Pro791Ser). This variant is not present in population databases (gnomAD no frequency). This variant has not been reported in the literature in individuals affected with SCN1A-related conditions. Invitae Evidence Modeling of protein sequence and biophysical properties (such as structural, functional, and spatial information, amino acid conservation, physicochemical variation, residue mobility, and thermodynamic stability) indicates that this missense variant is expected to disrupt SCN1A protein function with a positive predictive value of 95%. In summary, the available evidence is currently insufficient to determine the role of this variant in disease. Therefore, it has been classified as a Variant of Uncertain Significance.